The following is an entry in ClinVar:

ClinVar aggregate classification (germline): Uncertain significance (1 of 4 stars; one submission).

Conditions:
RAI1-related disorder. Also called: RAI1-related condition.

gnomAD v4.1: 2 of 1,613,202 alleles (0.00012%); highest among the groups gnomAD compares: Non-Finnish European, 0.00017%; no homozygotes.

Submission:

PreventionGenetics, part of Exact Sciences
Classification: Uncertain significance for RAI1-related condition. Last evaluated: 2025-09-17. Review status: criteria provided, single submitter. Criteria: ACMG Guidelines, 2015. Collection method: clinical testing. Allele origin: germline.
Comment: The RAI1 c.1623G>C variant is predicted to result in the amino acid substitution p.Arg541Ser. To our knowledge, this variant has not been reported in the literature or in a large population database (gnomAD), indicating this variant is rare. At this time, the clinical significance of this variant is uncertain due to the absence of conclusive functional and genetic evidence.

NM_030665.4(RAI1):c.1623G>C (p.Arg541Ser)

Gene: RAI1 (retinoic acid induced 1; plus strand). Cytogenetic location: 17p11.2.
Variant type: single nucleotide variant.
Coding change: c.1623G>C on transcript NM_030665.4 (MANE Select); coding-DNA position 1623, G replaced by C.
Protein change: p.Arg541Ser; replaces arginine 541 with serine.
Molecular consequence: missense variant.
Genome position (GRCh38, 1-based): chr17:17,794,571, G>C. VCF-style: chr17-17794571-G-C. GRCh37 (hg19) VCF-style: chr17-17697885-G-C.
Other names: short protein forms R541S.
Identifiers: ClinVar variation 4994891 (VCV004994891.1).